The following is an entry in ClinVar:

ClinVar aggregate classification (germline): Conflicting classifications of pathogenicity. Review status: criteria provided, conflicting classifications (1 of 4 stars). 2 submissions from 2 submitters: Uncertain significance (1); Likely benign (1). Last evaluated 2020-02-24.

Allele frequency attached by ClinVar (database versions not stated): gnomAD exomes below 0.00001.
gnomAD v4.1: 3 of 1,614,170 alleles (0.00019%); highest among the groups gnomAD compares: Non-Finnish European, 0.00025%; no homozygotes.

Submissions (2):

Labcorp Genetics (formerly Invitae), Labcorp
Classification: Uncertain significance. Last evaluated: 2020-02-24. Review status: criteria provided, single submitter. Criteria: Invitae Variant Classification Sherloc (09022015). Collection method: clinical testing. Allele origin: germline.
Comment: In summary, the available evidence is currently insufficient to determine the role of this variant in disease. Therefore, it has been classified as a Variant of Uncertain Significance. Nucleotide substitutions within the consensus splice site are a relatively common cause of aberrant splicing (PMID: 17576681, 9536098). Algorithms developed to predict the effect of sequence changes on RNA splicing suggest that this variant is not likely to affect RNA splicing, but this prediction has not been confirmed by published transcriptional studies. This variant has not been reported in the literature in individuals with POLE-related conditions. ClinVar contains an entry for this variant (Variation ID: 514172). This variant is not present in population databases (ExAC no frequency). This sequence change falls in intron 7 of the POLE gene. It does not directly change the encoded amino acid sequence of the POLE protein, but it affects a nucleotide within the consensus splice site of the intron.

GeneDx
Classification: Likely benign. Last evaluated: 2017-12-15. Review status: criteria provided, single submitter. Criteria: GeneDx Variant Classification (06012015). Collection method: clinical testing. Allele origin: germline. Affected: yes.
Comment: This variant is considered likely benign or benign based on one or more of the following criteria: it is a conservative change, it occurs at a poorly conserved position in the protein, it is predicted to be benign by multiple in silico algorithms, and/or has population frequency not consistent with disease.

Literature cited by the submitters: PubMed 17576681 (cited by Labcorp Genetics (formerly Invitae), Labcorp); PubMed 9536098 (cited by Labcorp Genetics (formerly Invitae), Labcorp).

NM_006231.4(POLE):c.720+3G>A

Gene: POLE (DNA polymerase epsilon, catalytic subunit; minus strand). Cytogenetic location: 12q24.33.
Variant type: single nucleotide variant.
Coding change: c.720+3G>A on transcript NM_006231.4 (MANE Select); 3 bases into the intron after coding-DNA position 720, G replaced by A.
Molecular consequence: intron variant.
Genome position (GRCh38, 1-based): chr12:132,677,575, C>T on the plus strand (G>A on the coding strand, the complement: POLE is on the minus strand). VCF-style: chr12-132677575-C-T. GRCh37 (hg19) VCF-style: chr12-133254161-C-T.
Identifiers: ClinVar variation 514172 (VCV000514172.8), dbSNP rs1555229633, ClinGen allele CA658798000.